The following is an entry in ClinVar:

NM_024529.5(CDC73):c.162C>G (p.Tyr54Ter)

Gene: CDC73 (cell division cycle 73; plus strand). Cytogenetic location: 1q31.2.
Variant type: single nucleotide variant.
Coding change: c.162C>G on transcript NM_024529.5 (MANE Select); coding-DNA position 162, C replaced by G.
Protein change: p.Tyr54Ter; replaces tyrosine 54 with a stop codon.
Molecular consequence: nonsense.
Genome position (GRCh38, 1-based): chr1:193,125,142, C>G. VCF-style: chr1-193125142-C-G. GRCh37 (hg19) VCF-style: chr1-193094272-C-G.
Other names: short protein forms Y54*.
Identifiers: ClinVar variation 3274 (VCV000003274.8), dbSNP rs121434265, ClinGen allele CA252653.

ClinVar aggregate classification (germline): Pathogenic. Review status: criteria provided, single submitter (1 of 4 stars). 2 submissions from 2 submitters: Pathogenic (1). 1 of the submissions does not count toward it. Last evaluated 2021-01-18.

Conditions:
Parathyroid carcinoma (PRTC). Also called: CDC73-Related Parathyroid Carcinoma; Parathyroid gland carcinoma. Identifiers: Orphanet 143, MedGen C0687150, MONDO:0012004, OMIM 608266, HP:0006780.

Submissions (2):

Labcorp Genetics (formerly Invitae), Labcorp
Classification: Pathogenic for Parathyroid carcinoma. Last evaluated: 2021-01-18. Review status: criteria provided, single submitter. Criteria: Invitae Variant Classification Sherloc (09022015). Collection method: clinical testing. Allele origin: germline.
Comment: This sequence change creates a premature translational stop signal (p.Tyr54*) in the CDC73 gene. It is expected to result in an absent or disrupted protein product. Loss-of-function variants in CDC73 are known to be pathogenic (PMID: 12434154). This variant is not present in population databases (ExAC no frequency). This variant has not been reported in the literature in individuals with CDC73-related conditions. ClinVar contains an entry for this variant (Variation ID: 3274). For these reasons, this variant has been classified as Pathogenic.

OMIM
Classification: Pathogenic for PARATHYROID CARCINOMA, SOMATIC. Last evaluated: 2003-10-30. Review status: no assertion criteria provided. Collection method: literature only. Allele origin: somatic. Not counted in ClinVar's aggregate classification.

Literature cited by the submitters: PubMed 12434154 (cited by Labcorp Genetics (formerly Invitae), Labcorp); PubMed 14585940 (cited by OMIM).